The following is an entry in ClinVar:

ClinVar aggregate classification (germline): Uncertain significance (1 of 4 stars; one submission).

gnomAD v4.1: 1 of 1,605,710 alleles (0.000062%); highest among the groups gnomAD compares: Non-Finnish European, 0.000085%; no homozygotes.

Submission:

GeneDx
Classification: Uncertain significance. Last evaluated: 2023-06-21. Review status: criteria provided, single submitter. Criteria: GeneDx Variant Classification Process June 2021. Collection method: clinical testing. Allele origin: germline. Affected: yes.
Comment: Not observed at significant frequency in large population cohorts (gnomAD); In silico analysis supports that this missense variant has a deleterious effect on protein structure/function; Has not been previously published as pathogenic or benign to our knowledge

NM_198525.3(KIF7):c.2886A>T (p.Arg962Ser)

Gene: KIF7 (kinesin family member 7; minus strand). Cytogenetic location: 15q26.1.
Variant type: single nucleotide variant.
Coding change: c.2886A>T on transcript NM_198525.3 (MANE Select); coding-DNA position 2886, A replaced by T.
Protein change: p.Arg962Ser; replaces arginine 962 with serine.
Molecular consequence: missense variant.
Genome position (GRCh38, 1-based): chr15:89,632,829, T>A on the plus strand (A>T on the coding strand, the complement: KIF7 is on the minus strand). VCF-style: chr15-89632829-T-A. GRCh37 (hg19) VCF-style: chr15-90176060-T-A.
Other names: short protein forms R962S.
Identifiers: ClinVar variation 3360220 (VCV003360220.1).
Genomic context (GRCh38, chr15:89,632,829, plus strand): 5'-CCTCACTTCACTGGACCTCACCTGGCAGGATCTCTCCTGGCAGGGCCTCACCTGGCTGGA[T>A]CTCAGGCGCTTGCTCTCCAGCCCCGTCTTCTCCTGCATCAGGGCCTCCTTCTTGGCCAGG-3'
Protein context (NP_940927.2, residues 952-972): EKTGLESKRL[Arg962Ser]SSQALNEDIV